The following is an entry in ClinVar:

ClinVar aggregate classification (germline): Uncertain significance. Review status: criteria provided, multiple submitters, no conflicts (2 of 4 stars). 2 submissions from 2 submitters: Uncertain significance (2). Last evaluated 2022-05-03.

Conditions:
Joubert syndrome. Also called: Familial aplasia of the vermis; JOUBERT-BOLTSHAUSER SYNDROME. Identifiers: Orphanet 475, MedGen C5979921, MONDO:0018772.
Meckel-Gruber syndrome. Also called: Dysencephalia splachnocystica; DYSENCEPHALIA SPLANCHNOCYSTICA; GRUBER SYNDROME. Identifiers: Orphanet 564, MedGen C0265215, MONDO:0018921.

Submissions (2):

Labcorp Genetics (formerly Invitae), Labcorp
Classification: Uncertain significance for Joubert syndrome; Meckel-Gruber syndrome. Last evaluated: 2022-05-03. Review status: criteria provided, single submitter. Criteria: Invitae Variant Classification Sherloc (09022015). Collection method: clinical testing. Allele origin: germline.
Comment: This sequence change replaces glutamic acid, which is acidic and polar, with glutamine, which is neutral and polar, at codon 763 of the CC2D2A protein (p.Glu763Gln). This variant is not present in population databases (gnomAD no frequency). This variant has not been reported in the literature in individuals affected with CC2D2A-related conditions. Advanced modeling of protein sequence and biophysical properties (such as structural, functional, and spatial information, amino acid conservation, physicochemical variation, residue mobility, and thermodynamic stability) performed at Invitae indicates that this missense variant is expected to disrupt CC2D2A protein function. In summary, the available evidence is currently insufficient to determine the role of this variant in disease. Therefore, it has been classified as a Variant of Uncertain Significance.

Blueprint Genetics
Classification: Uncertain significance. Last evaluated: 2020-09-07. Review status: criteria provided, single submitter. Criteria: ACMG Guidelines, 2015. Collection method: clinical testing. Allele origin: germline.

NM_001378615.1(CC2D2A):c.2287G>C (p.Glu763Gln)

Genes: CC2D2A (coiled-coil and C2 domain containing 2A; plus strand), FBXL5 (F-box and leucine rich repeat protein 5; minus strand). Cytogenetic location: 4p15.32.
Variant type: single nucleotide variant.
Coding change: c.2287G>C on transcript NM_001378615.1 (MANE Select); coding-DNA position 2287, G replaced by C.
Protein change: p.Glu763Gln; replaces glutamic acid 763 with glutamine.
Molecular consequence: missense variant.
Genome position (GRCh38, 1-based): chr4:15,550,929, G>C. VCF-style: chr4-15550929-G-C. GRCh37 (hg19) VCF-style: chr4-15552552-G-C.
Other names: c.2287G>C, p.Glu763Gln (NM_001080522.2); c.2140G>C, p.Glu714Gln (NM_001378617.1); short protein forms E714Q, E763Q.
Identifiers: ClinVar variation 1919724 (VCV001919724.3), dbSNP rs2475019568, ClinGen allele CA356417303.